The following is an entry in ClinVar:

NM_000256.3(MYBPC3):c.2469C>T (p.Phe823=)

Gene: MYBPC3 (myosin binding protein C3; minus strand). Cytogenetic location: 11p11.2.
Variant type: single nucleotide variant.
Coding change: c.2469C>T on transcript NM_000256.3 (MANE Select); coding-DNA position 2469, C replaced by T.
Protein change: p.Phe823=; no amino-acid change (phenylalanine 823 retained).
Molecular consequence: synonymous variant.
Genome position (GRCh38, 1-based): chr11:47,337,524, G>A on the plus strand (C>T on the coding strand, the complement: MYBPC3 is on the minus strand). VCF-style: chr11-47337524-G-A. GRCh37 (hg19) VCF-style: chr11-47359075-G-A.
Other names: c.2469C>T, p.Phe823= (LRG_386t1).
Identifiers: ClinVar variation 525131 (VCV000525131.9), dbSNP rs1555121238, ClinGen allele CA474429340.

ClinVar aggregate classification (germline): Conflicting classifications of pathogenicity. Review status: criteria provided, conflicting classifications (1 of 4 stars). 2 submissions from 2 submitters: Uncertain significance (1); Likely benign (1). Last evaluated 2025-08-10.

Conditions:
Hypertrophic cardiomyopathy. Also called: HYPERTROPHIC MYOCARDIOPATHY. Identifiers: Orphanet 217569, MedGen C0007194, MeSH D002312, MONDO:0005045, HP:0001639.
Cardiomyopathy (CMYO). Also called: Cardiomyopathies. Identifiers: Orphanet 167848, MedGen C0878544, MONDO:0004994, HP:0001638. Inheritance: Various modes of inheritance.

Allele frequency attached by ClinVar (database versions not stated): gnomAD exomes below 0.00001.

Submissions (2):

Color Diagnostics, LLC DBA Color Health
Classification: Uncertain significance for Cardiomyopathy. Last evaluated: 2025-08-10. Review status: criteria provided, single submitter. Criteria: ACMG Guidelines, 2015. Collection method: clinical testing. Allele origin: germline.
Comment: This variant is located in the MYBPC3 protein. To our knowledge, functional studies have not been reported for this variant. This variant has not been reported in individuals affected with MYBPC3-related disorders in the literature. This variant has not been identified in the general population by the Genome Aggregation Database (gnomAD). The available evidence is insufficient to determine the role of this variant in disease conclusively. Therefore, this variant is classified as a Variant of Uncertain Significance.

Labcorp Genetics (formerly Invitae), Labcorp
Classification: Likely benign for Hypertrophic cardiomyopathy. Last evaluated: 2022-03-08. Review status: criteria provided, single submitter. Criteria: Invitae Variant Classification Sherloc (09022015). Collection method: clinical testing. Allele origin: germline.